The following continues an entry in ClinVar:

NM_000350.3(ABCA4):c.5318C>T (p.Ala1773Val)

Gene: ABCA4. ClinVar aggregate classification (germline): Pathogenic. Pathogenic (1).

Submissions 10 to 17 of 17:

Fulgent Genetics
Classification: Pathogenic for Age related macular degeneration 2; Severe early-childhood-onset retinal dystrophy; Retinitis pigmentosa 19; Cone-rod dystrophy 3. Last evaluated: 2021-11-23. Review status: criteria provided, single submitter. Criteria: ACMG Guidelines, 2015. Collection method: clinical testing. Allele origin: unknown. Not counted in ClinVar's aggregate classification.

Institute of Medical Genetics and Applied Genomics, University Hospital Tübingen
Classification: Pathogenic. Last evaluated: 2021-02-01. Review status: criteria provided, single submitter. Criteria: ACMG Guidelines, 2015. Collection method: clinical testing. Allele origin: germline. Inheritance: Autosomal recessive inheritance. Affected: yes. Not counted in ClinVar's aggregate classification.

Johns Hopkins Genomics, Johns Hopkins University
Classification: Likely pathogenic for Severe early-childhood-onset retinal dystrophy. Last evaluated: 2020-01-21. Review status: criteria provided, single submitter. Criteria: ACMG Guidelines, 2015. Collection method: clinical testing. Allele origin: germline. Not counted in ClinVar's aggregate classification.

Women's Health and Genetics/Laboratory Corporation of America, LabCorp
Classification: Pathogenic for Stargardt disease. Last evaluated: 2020-01-08. Review status: criteria provided, single submitter. Criteria: LabCorp Variant Classification Summary - May 2015. Collection method: clinical testing. Allele origin: germline. Not counted in ClinVar's aggregate classification.
Comment: Variant summary: ABCA4 c.5318C>T (p.Ala1773Val) results in a non-conservative amino acid change in the encoded protein sequence. Five of five in-silico tools predict a damaging effect of the variant on protein function. The variant allele was found at a frequency of 7.6e-05 in 251426 control chromosomes (gnomAD). This frequency is not significantly higher than expected for a pathogenic variant in ABCA4 causing Stargardt disease (7.6e-05 vs 0.0014), allowing no conclusion about variant significance. c.5318C>T has been reported in the literature in numerous individuals affected with Stargardt disease (homozygotes and heterozygotes) and may be a Mexican founder mutation (Chacon-Camacho_2013, Fujinami_2019, Lopez-Rubio_2018, Stenirri_2008). These data indicate that the variant is very likely to be associated with disease. To our knowledge, no experimental evidence demonstrating an impact on protein function has been reported. Three ClinVar submitters (evaluation after 2014) cite the variant as pathogenic/likely pathogenic. Based on the evidence outlined above, the variant was classified as pathogenic.

CeGaT Center for Human Genetics Tuebingen
Classification: Pathogenic. Last evaluated: 2016-09-01. Review status: criteria provided, single submitter. Criteria: CeGaT Center For Human Genetics Tuebingen Variant Classification Criteria Version 2. Collection method: clinical testing. Allele origin: germline. Affected: yes. Observed: 1 variant allele. Not counted in ClinVar's aggregate classification.

Juno Genomics, Hangzhou Juno Genomics, Inc
Classification: Pathogenic for Retinitis pigmentosa 19; Severe early-childhood-onset retinal dystrophy; Age related macular degeneration 2; Cone-rod dystrophy 3. Review status: criteria provided, single submitter. Criteria: ACMG Guidelines, 2015. Collection method: clinical testing. Allele origin: germline. Not counted in ClinVar's aggregate classification.
Comment: Absent from controls (or at extremely low frequency if recessive) in Genome Aggregation Database.;Multiple lines of computational evidence support a deleterious effect on the gene or gene product.;For recessive disorders, detected in trans with a pathogenic variant.

Sharon lab, Hadassah-Hebrew University Medical Center
Classification: Likely pathogenic for Stargardt disease. Last evaluated: 2019-06-23. Review status: no assertion criteria provided. Collection method: research. Allele origin: inherited. Affected: yes. Not counted in ClinVar's aggregate classification.

Ophthalmo-Genetics Lab, Instituto de Oftalmologia Conde de Valenciana
Classification: Pathogenic for Severe early-childhood-onset retinal dystrophy. Review status: no assertion criteria provided. Collection method: research. Allele origin: germline. Inheritance: Autosomal recessive inheritance. Affected: yes. Not counted in ClinVar's aggregate classification.

Literature cited by the submitters: PubMed 18652558 (cited by 5 submitters); PubMed 23143460 (cited by 3 submitters); PubMed 17982420 (cited by 3billion); PubMed 23419329 (cited by 6 submitters); PubMed 28130426 (cited by 4 submitters); PubMed 29422768 (cited by 5 submitters); PubMed 25283059 (cited by 3 submitters); PubMed 23591405 (cited by Institute of Human Genetics, Univ. Regensburg, Univ. Regensburg); PubMed 26780318 (cited by Institute of Human Genetics, Univ. Regensburg, Univ. Regensburg); PubMed 28512305 (cited by Institute of Human Genetics, Univ. Regensburg, Univ. Regensburg); PubMed 29641573 (cited by Institute of Human Genetics, Univ. Regensburg, Univ. Regensburg); PubMed 31589614 (cited by Institute of Human Genetics, Univ. Regensburg, Univ. Regensburg); PubMed 29925512 (cited by Institute of Human Genetics, Univ. Regensburg, Univ. Regensburg and Women's Health and Genetics/Laboratory Corporation of America, LabCorp); PubMed 32619608 (cited by Institute of Human Genetics, Univ. Regensburg, Univ. Regensburg); PubMed 33375396 (cited by Institute of Human Genetics, Univ. Regensburg, Univ. Regensburg); PubMed 31964843 (cited by Institute of Human Genetics, Univ. Regensburg, Univ. Regensburg); PubMed 32307445 (cited by Institute of Human Genetics, Univ. Regensburg, Univ. Regensburg); PubMed 32090030 (cited by Institute of Human Genetics, Univ. Regensburg, Univ. Regensburg); PubMed 33090715 (cited by Institute of Human Genetics, Univ. Regensburg, Univ. Regensburg); PubMed 32845068 (cited by Institute of Human Genetics, Univ. Regensburg, Univ. Regensburg); PubMed 31456290 (cited by Institute of Human Genetics, Univ. Regensburg, Univ. Regensburg); PubMed 32531858 (cited by Institute of Human Genetics, Univ. Regensburg, Univ. Regensburg); PubMed 31736247 (cited by Institute of Human Genetics, Univ. Regensburg, Univ. Regensburg); PubMed 34315337 (cited by Institute of Human Genetics, Univ. Regensburg, Univ. Regensburg); PubMed 33301772 (cited by Institute of Human Genetics, Univ. Regensburg, Univ. Regensburg); PubMed 33732702 (cited by Institute of Human Genetics, Univ. Regensburg, Univ. Regensburg); PubMed 35119454 (cited by Institute of Human Genetics, Univ. Regensburg, Univ. Regensburg); PubMed 35260635 (cited by Institute of Human Genetics, Univ. Regensburg, Univ. Regensburg); PubMed 36460718 (cited by Institute of Human Genetics, Univ. Regensburg, Univ. Regensburg); PubMed 36284460 (cited by Institute of Human Genetics, Univ. Regensburg, Univ. Regensburg); PubMed 35657619 (cited by Institute of Human Genetics, Univ. Regensburg, Univ. Regensburg); PubMed 28118664 (cited by Institute of Human Genetics, Univ. Regensburg, Univ. Regensburg and Johns Hopkins Genomics, Johns Hopkins University).